The following is an entry in ClinVar:

ClinVar aggregate classification (germline): Uncertain significance (1 of 4 stars; one submission).

Conditions:
Wilson disease (WND). Also called: Wilson's disease. Identifiers: Orphanet 905, MedGen C0019202, MONDO:0010200, OMIM 277900. Disease mechanism: loss of function.

Allele frequency attached by ClinVar (database versions not stated): gnomAD exomes below 0.00001.
gnomAD v4.1: 1 of 1,614,054 alleles (0.000062%); highest among the groups gnomAD compares: East Asian, 0.0022%; no homozygotes.

Submission:

Labcorp Genetics (formerly Invitae), Labcorp
Classification: Uncertain significance for Wilson disease. Last evaluated: 2022-08-20. Review status: criteria provided, single submitter. Criteria: Invitae Variant Classification Sherloc (09022015). Collection method: clinical testing. Allele origin: germline.
Comment: Algorithms developed to predict the effect of missense changes on protein structure and function are either unavailable or do not agree on the potential impact of this missense change (SIFT: "Deleterious"; PolyPhen-2: "Possibly Damaging"; Align-GVGD: "Class C0"). This variant has not been reported in the literature in individuals affected with ATP7B-related conditions. This variant is not present in population databases (gnomAD no frequency). This sequence change replaces proline, which is neutral and non-polar, with serine, which is neutral and polar, at codon 534 of the ATP7B protein (p.Pro534Ser). In summary, the available evidence is currently insufficient to determine the role of this variant in disease. Therefore, it has been classified as a Variant of Uncertain Significance.

NM_000053.4(ATP7B):c.1600C>T (p.Pro534Ser)

Gene: ATP7B (ATPase copper transporting beta; minus strand). Cytogenetic location: 13q14.3.
Variant type: single nucleotide variant.
Coding change: c.1600C>T on transcript NM_000053.4 (MANE Select); coding-DNA position 1600, C replaced by T.
Protein change: p.Pro534Ser; replaces proline 534 with serine.
Molecular consequence: missense variant.
Genome position (GRCh38, 1-based): chr13:51,968,551, G>A on the plus strand (C>T on the coding strand, the complement: ATP7B is on the minus strand). VCF-style: chr13-51968551-G-A. GRCh37 (hg19) VCF-style: chr13-52542687-G-A.
Other names: c.1600C>T, p.Pro534Ser (NM_001406515.1, NM_001406516.1, NM_001406519.1 and 26 more transcripts); c.1504C>T, p.Pro502Ser (NM_001406517.1, NM_001406518.1, NM_001406536.1 and 3 more transcripts); c.1171C>T, p.Pro391Ser (NM_001406539.1); c.1267C>T, p.Pro423Ser (NM_001243182.2); c.1567C>T, p.Pro523Ser (NM_001406514.1, NM_001406524.1); short protein forms P391S, P423S, P502S, P523S, P534S.
Identifiers: ClinVar variation 1715880 (VCV001715880.5), dbSNP rs2547778941, ClinGen allele CA388033119.
Genomic context (GRCh38, chr13:51,968,551, plus strand): 5'-CTGCCTCAAAACCCAGGTCCTGGATGAACTGAGCTATCTCGAGGGGCTGGATGACCTCTG[G>A]GTCATACTTGATCTCTGCCTTTCCTGCCATCAAGGCAACCAACACGGAGAGAACACCTGG-3'
Protein context (NP_000044.2, residues 524-544): MAGKAEIKYD[Pro534Ser]EVIQPLEIAQ